The following is an entry in ClinVar:

NM_004004.6(GJB2):c.263C>G (p.Ala88Gly)

Gene: GJB2 (gap junction protein beta 2; minus strand). Cytogenetic location: 13q12.11.
Variant type: single nucleotide variant.
Coding change: c.263C>G on transcript NM_004004.6 (MANE Select); coding-DNA position 263, C replaced by G.
Protein change: p.Ala88Gly; replaces alanine 88 with glycine.
Molecular consequence: missense variant.
Genome position (GRCh38, 1-based): chr13:20,189,319, G>C on the plus strand (C>G on the coding strand, the complement: GJB2 is on the minus strand). VCF-style: chr13-20189319-G-C. GRCh37 (hg19) VCF-style: chr13-20763458-G-C.
Other names: short protein forms A88G.
Identifiers: ClinVar variation 557527 (VCV000557527.3), dbSNP rs1555341945, ClinGen allele CA387461516.

ClinVar aggregate classification (germline): Likely pathogenic. Review status: criteria provided, single submitter (1 of 4 stars). 2 submissions from 2 submitters: Likely pathogenic (1). 1 of the submissions does not count toward it. Last evaluated 2026-03-04.

Conditions:
Nonsyndromic genetic hearing loss. Also called: Nonsyndromic hearing loss and deafness; Non-syndromic genetic deafness; Nonsyndromic genetic deafness. Identifiers: Orphanet 87884, MedGen C5680182, MONDO:0019497.
Autosomal recessive nonsyndromic hearing loss 1A (DFNB1A). Also called: Connexin 26 deafness; Deafness nonsyndromic, Connexin 26 linked; Nonsyndromic Hearing Loss and Deafness, DFNB1; GJB2-Related Autosomal Recessive Nonsyndromic Hearing Loss; GJB6-Related DFNB 1 Nonsyndromic Hearing Loss and Deafness; Deafness, autosomal recessive 1A. Identifiers: Orphanet 90636, MedGen C2673759, MONDO:0009076, OMIM 220290.

Submissions (2):

Women's Health and Genetics/Laboratory Corporation of America, LabCorp
Classification: Likely pathogenic for Nonsyndromic genetic hearing loss. Last evaluated: 2026-03-04. Review status: criteria provided, single submitter. Criteria: LabCorp Variant Classification Summary - May 2015. Collection method: clinical testing. Allele origin: germline.
Comment: Variant summary: GJB2 c.263C>G (p.Ala88Gly) results in a non-conservative amino acid change in the encoded protein sequence. Algorithms developed to predict the effect of missense changes on protein structure and function all suggest that this variant is likely to be disruptive. The variant was absent in 251256 control chromosomes (gnomAD). c.263C>G has been observed in one homozygous individual affected with hearing loss (Alemanno_2008). These data indicate that the variant may be associated with disease. A different variant affecting the same codon has been classified as pathogenic (c.263C>T, p.Ala88Val), supporting the critical relevance of codon 88 to GJB2 protein function. To our knowledge, no experimental evidence demonstrating an impact on protein function has been reported. The following publications have been ascertained in the context of this evaluation (PMID: 18990456, 36048236, 25388846). ClinVar contains an entry for this variant (Variation ID: 557527). Based on the evidence outlined above, the variant was classified as likely pathogenic.

Counsyl
Classification: Uncertain significance for Autosomal recessive nonsyndromic hearing loss 1A. Last evaluated: 2018-03-28. Review status: no assertion criteria provided. Collection method: clinical testing. Allele origin: unknown. Not counted in ClinVar's aggregate classification.

Literature cited by the submitters: PubMed 25388846 (cited by Women's Health and Genetics/Laboratory Corporation of America, LabCorp); PubMed 36048236 (cited by Women's Health and Genetics/Laboratory Corporation of America, LabCorp); PubMed 18990456 (cited by Women's Health and Genetics/Laboratory Corporation of America, LabCorp and Counsyl); PubMed 25560255 (cited by Counsyl).